The following is an entry in ClinVar:

NM_032119.4(ADGRV1):c.10689G>T (p.Lys3563Asn)

Gene: ADGRV1 (adhesion G protein-coupled receptor V1; plus strand). Cytogenetic location: 5q14.3.
Variant type: single nucleotide variant.
Coding change: c.10689G>T on transcript NM_032119.4 (MANE Select); coding-DNA position 10689, G replaced by T.
Protein change: p.Lys3563Asn; replaces lysine 3563 with asparagine.
Molecular consequence: missense variant. On other transcripts: non-coding transcript variant (1).
Genome position (GRCh38, 1-based): chr5:90,745,185, G>T. VCF-style: chr5-90745185-G-T. GRCh37 (hg19) VCF-style: chr5-90041002-G-T.
Other names: short protein forms K3563N.
Identifiers: ClinVar variation 1474890 (VCV001474890.6), dbSNP rs2149912254, ClinGen allele CA360408234.
Genomic context (GRCh38, chr5:90,745,185, plus strand): 5'-GGAAGTACCTTCTGCTTATGATGTGGCTTCTGTTACAGTAAAGTCCCTTAATTCAAGCAA[G>T]AATTTAATAGCTCTAGTGGGAGCTCATTCACATATATATGAGCTAGCCTACATTTCCAGC-3'
Protein context (NP_115495.3, residues 3553-3573): SVTVKSLNSS[Lys3563Asn]NLIALVGAHS

ClinVar aggregate classification (germline): Uncertain significance (1 of 4 stars; one submission).

gnomAD v4.1: 2 of 1,613,126 alleles (0.00012%); highest among the groups gnomAD compares: African/African-American, 0.0013%; no homozygotes.

Submission:

Labcorp Genetics (formerly Invitae), Labcorp
Classification: Uncertain significance. Last evaluated: 2022-05-09. Review status: criteria provided, single submitter. Criteria: Invitae Variant Classification Sherloc (09022015). Collection method: clinical testing. Allele origin: germline.
Comment: In summary, the available evidence is currently insufficient to determine the role of this variant in disease. Therefore, it has been classified as a Variant of Uncertain Significance. Algorithms developed to predict the effect of missense changes on protein structure and function are either unavailable or do not agree on the potential impact of this missense change (SIFT: "Deleterious"; PolyPhen-2: "Possibly Damaging"; Align-GVGD: "Class C0"). This variant has not been reported in the literature in individuals affected with ADGRV1-related conditions. This variant is not present in population databases (gnomAD no frequency). This sequence change replaces lysine, which is basic and polar, with asparagine, which is neutral and polar, at codon 3563 of the ADGRV1 protein (p.Lys3563Asn).